The following is an entry in ClinVar:

NM_001365088.1(SLC12A6):c.371A>G (p.Glu124Gly)

Gene: SLC12A6 (solute carrier family 12 member 6; minus strand). Cytogenetic location: 15q14.
Variant type: single nucleotide variant.
Coding change: c.371A>G on transcript NM_001365088.1 (MANE Select); coding-DNA position 371, A replaced by G.
Protein change: p.Glu124Gly; replaces glutamic acid 124 with glycine.
Molecular consequence: missense variant.
Genome position (GRCh38, 1-based): chr15:34,260,966, T>C on the plus strand (A>G on the coding strand, the complement: SLC12A6 is on the minus strand). VCF-style: chr15-34260966-T-C. GRCh37 (hg19) VCF-style: chr15-34553167-T-C.
Other names: c.194A>G, p.Glu65Gly (NM_001042494.2, NM_001042495.2); c.344A>G, p.Glu115Gly (NM_001042496.2); c.326A>G, p.Glu109Gly (NM_001042497.2); c.218A>G, p.Glu73Gly (NM_005135.2); c.371A>G, p.Glu124Gly (NM_133647.2); short protein forms E124G, E65G, E73G, E109G, E115G.
Identifiers: ClinVar variation 3679887 (VCV003679887.2).

ClinVar aggregate classification (germline): Uncertain significance (1 of 4 stars; one submission).

gnomAD v4.1: 3 of 1,571,678 alleles (0.00019%); highest among the groups gnomAD compares: Non-Finnish European, 0.000088%; no homozygotes.

Submission:

Labcorp Genetics (formerly Invitae), Labcorp
Classification: Uncertain significance. Last evaluated: 2024-10-02. Review status: criteria provided, single submitter. Criteria: Invitae Variant Classification Sherloc (09022015). Collection method: clinical testing. Allele origin: germline.
Comment: This sequence change replaces glutamic acid, which is acidic and polar, with glycine, which is neutral and non-polar, at codon 124 of the SLC12A6 protein (p.Glu124Gly). This variant is present in population databases (no rsID available, gnomAD 0.01%). This variant has not been reported in the literature in individuals affected with SLC12A6-related conditions. Invitae Evidence Modeling of protein sequence and biophysical properties (such as structural, functional, and spatial information, amino acid conservation, physicochemical variation, residue mobility, and thermodynamic stability) indicates that this missense variant is not expected to disrupt SLC12A6 protein function with a negative predictive value of 80%. In summary, the available evidence is currently insufficient to determine the role of this variant in disease. Therefore, it has been classified as a Variant of Uncertain Significance.